The following is an entry in ClinVar:

ClinVar aggregate classification (germline): Pathogenic/Likely pathogenic. Review status: criteria provided, multiple submitters, no conflicts (2 of 4 stars). 2 submissions from 2 submitters: Pathogenic (1); Likely pathogenic (1). Last evaluated 2026-09-08.

Conditions:
Fabry disease. Also called: Angiokeratoma corporis diffusum; ALPHA-GALACTOSIDASE A DEFICIENCY; ANDERSON-FABRY DISEASE; CERAMIDE TRIHEXOSIDASE DEFICIENCY; Fabry's disease; GLA DEFICIENCY. Identifiers: Orphanet 324, MedGen C0002986, MONDO:0010526, OMIM 301500, HP:0001071. Disease mechanism: loss of function, Fabry disease is due to inactivating mutations in the X-linked GLA gene resulting in deficiency of the enzyme Alpha Galactosidase-A..

Submissions (2):

Genomenon, Inc
Classification: Pathogenic for Fabry disease. Last evaluated: 2026-09-08. Review status: criteria provided, single submitter. Criteria: Genomenon Sequence Variant Interpretation Standards - Updated. Collection method: curation. Allele origin: germline. Affected: yes.
Comment: GLA p.Gly360Asp (c.1079G>A) is a missense variant that changes the amino acid at codon 360 from Glycine to Aspartic acid. This variant has been observed in at least one proband with clinical features consistent with Fabry disease (PMID:33915609;25666440;40722783;31718986;17273003;18057066). The variant was found to segregate with disease in at least one affected family (PMID:17273003). At least one functional study has demonstrated a substantial alteration in protein function relative to the wild-type (PMID:27657681). It is absent or not present at a significant frequency in gnomAD. In silico models predict that this variant is possibly or probably damaging. In conclusion, we classify GLA p.Gly360Asp (c.1079G>A) as a pathogenic variant.

Labcorp Genetics (formerly Invitae), Labcorp
Classification: Likely pathogenic for Fabry disease. Last evaluated: 2021-10-21. Review status: criteria provided, single submitter. Criteria: Invitae Variant Classification Sherloc (09022015). Collection method: clinical testing. Allele origin: germline.
Comment: In summary, the currently available evidence indicates that the variant is pathogenic, but additional data are needed to prove that conclusively. Therefore, this variant has been classified as Likely Pathogenic. This variant disrupts the p.Gly360 amino acid residue in GLA. Other variant(s) that disrupt this residue have been determined to be pathogenic (PMID: 19621417, 28615118). This suggests that this residue is clinically significant, and that variants that disrupt this residue are likely to be disease-causing. Algorithms developed to predict the effect of missense changes on protein structure and function (SIFT, PolyPhen-2, Align-GVGD) all suggest that this variant is likely to be disruptive. This missense change has been observed in individual(s) with Fabry disease (PMID: 18057066). This variant is not present in population databases (ExAC no frequency). This sequence change replaces glycine with aspartic acid at codon 360 of the GLA protein (p.Gly360Asp). The glycine residue is highly conserved and there is a moderate physicochemical difference between glycine and aspartic acid.

Literature cited by the submitters: PubMed 33915609 (cited by Genomenon, Inc); PubMed 25666440 (cited by Genomenon, Inc); PubMed 40722783 (cited by Genomenon, Inc); PubMed 31718986 (cited by Genomenon, Inc); PubMed 17273003 (cited by Genomenon, Inc); PubMed 18057066 (cited by Genomenon, Inc and Labcorp Genetics (formerly Invitae), Labcorp); PubMed 27657681 (cited by Genomenon, Inc); PubMed 19621417 (cited by Labcorp Genetics (formerly Invitae), Labcorp); PubMed 28615118 (cited by Labcorp Genetics (formerly Invitae), Labcorp).

NM_000169.3(GLA):c.1079G>A (p.Gly360Asp)

Genes: GLA (galactosidase alpha; minus strand), RPL36A-HNRNPH2 (RPL36A-HNRNPH2 readthrough; plus strand). Cytogenetic location: Xq22.1.
Variant type: single nucleotide variant.
Coding change: c.1079G>A on transcript NM_000169.3 (MANE Select); coding-DNA position 1079, G replaced by A.
Protein change: p.Gly360Asp; replaces glycine 360 with aspartic acid.
Molecular consequence: missense variant. On other transcripts: non-coding transcript variant (3), intron variant (2).
Genome position (GRCh38, 1-based): chrX:101,398,020, C>T on the plus strand (G>A on the coding strand, the complement: GLA is on the minus strand). VCF-style: chrX-101398020-C-T. GRCh37 (hg19) VCF-style: chrX-100653008-C-T.
Other names: c.1202G>A, p.Gly401Asp (NM_001406747.1); c.300+2563C>T (NM_001199973.2); c.177+6198C>T (NM_001199974.2); short protein forms G360D, G401D.
Identifiers: ClinVar variation 1507485 (VCV001507485.8), dbSNP rs782509013, ClinGen allele CA352363.